The following is an entry in ClinVar:

NM_000257.4(MYH7):c.2121A>G (p.Lys707=)

Gene: MYH7 (myosin heavy chain 7; minus strand). Cytogenetic location: 14q11.2.
Variant type: single nucleotide variant.
Coding change: c.2121A>G on transcript NM_000257.4 (MANE Select); coding-DNA position 2121, A replaced by G.
Protein change: p.Lys707=; no amino-acid change (lysine 707 retained).
Molecular consequence: synonymous variant.
Genome position (GRCh38, 1-based): chr14:23,426,005, T>C on the plus strand (A>G on the coding strand, the complement: MYH7 is on the minus strand). VCF-style: chr14-23426005-T-C. GRCh37 (hg19) VCF-style: chr14-23895214-T-C.
Identifiers: ClinVar variation 704231 (VCV000704231.15), dbSNP rs1294596631, ClinGen allele CA485766875.

ClinVar aggregate classification (germline): Likely benign. Review status: criteria provided, multiple submitters, no conflicts (2 of 4 stars). 5 submissions from 5 submitters: Likely benign (4). 1 of the submissions does not count toward it. Last evaluated 2026-01-15.

Conditions:
Cardiomyopathy (CMYO). Also called: Cardiomyopathies. Identifiers: Orphanet 167848, MedGen C0878544, MONDO:0004994, HP:0001638. Inheritance: Various modes of inheritance.
Hypertrophic cardiomyopathy. Also called: HYPERTROPHIC MYOCARDIOPATHY. Identifiers: Orphanet 217569, MedGen C0007194, MeSH D002312, MONDO:0005045, HP:0001639.
Cardiovascular phenotype. Identifiers: MedGen CN230736.
MYH7-related disorder. Also called: MYH7-related condition; MYH7-related disease; MYH7-related disorders.

Allele frequency attached by ClinVar (database versions not stated): gnomAD exomes below 0.00001 and 0.00001; gnomAD 0.00002; TOPMed 0.00003.
gnomAD v4.1: 24 of 1,614,048 alleles (0.0015%); highest among the groups gnomAD compares: African/African-American, 0.004%; no homozygotes.

Submissions (5):

Labcorp Genetics (formerly Invitae), Labcorp
Classification: Likely benign for Hypertrophic cardiomyopathy. Last evaluated: 2026-01-15. Review status: criteria provided, single submitter. Criteria: Invitae Variant Classification Sherloc (09022015). Collection method: clinical testing. Allele origin: germline.

All of Us Research Program, National Institutes of Health
Classification: Likely benign for Cardiomyopathy. Last evaluated: 2023-10-23. Review status: criteria provided, single submitter. Criteria: ACMG Guidelines, 2015. Collection method: clinical testing. Allele origin: germline. Inheritance: Autosomal dominant inheritance. Observed: 2 variant alleles, 2 heterozygotes.
Comment: This study involves interpretation of variants in research participants for the purpose of population health screening. Participant phenotype was not available at the time of variant classification. Additional details can be found in publication PMID: 35346344, PMCID: PMC8962531

Ambry Genetics
Classification: Likely benign for Cardiovascular phenotype. Last evaluated: 2022-11-04. Review status: criteria provided, single submitter. Criteria: Ambry Variant Classification Scheme 2023. Collection method: clinical testing. Allele origin: germline.

Color Diagnostics, LLC DBA Color Health
Classification: Likely benign for Cardiomyopathy. Last evaluated: 2019-03-11. Review status: criteria provided, single submitter. Criteria: ACMG Guidelines, 2015. Collection method: clinical testing. Allele origin: germline.

PreventionGenetics, part of Exact Sciences
Classification: Likely benign for MYH7-related condition. Last evaluated: 2019-07-22. Review status: no assertion criteria provided. Collection method: clinical testing. Allele origin: germline. Not counted in ClinVar's aggregate classification.
Comment: This variant is classified as likely benign based on ACMG/AMP sequence variant interpretation guidelines (Richards et al. 2015 PMID: 25741868, with internal and published modifications).